The following is an entry in ClinVar:

NM_000038.6(APC):c.3236C>T (p.Thr1079Ile)

Gene: APC (APC regulator of Wnt signaling pathway; plus strand). Cytogenetic location: 5q22.2.
Variant type: single nucleotide variant.
Coding change: c.3236C>T on transcript NM_000038.6 (MANE Select); coding-DNA position 3236, C replaced by T.
Protein change: p.Thr1079Ile; replaces threonine 1079 with isoleucine.
Molecular consequence: missense variant.
Genome position (GRCh38, 1-based): chr5:112,838,830, C>T. VCF-style: chr5-112838830-C-T. GRCh37 (hg19) VCF-style: chr5-112174527-C-T.
Other names: c.3236C>T, p.Thr1079Ile (NM_001127510.3, NM_001354895.2); c.3182C>T, p.Thr1061Ile (NM_001127511.3); c.3290C>T, p.Thr1097Ile (NM_001354896.2); c.3266C>T, p.Thr1089Ile (NM_001354897.2); c.3161C>T, p.Thr1054Ile (NM_001354898.2); c.3152C>T, p.Thr1051Ile (NM_001354899.2); c.3113C>T, p.Thr1038Ile (NM_001354900.2); c.3059C>T, p.Thr1020Ile (NM_001354901.2); and 5 more; short protein forms T1097I, T978I, T1020I, T1051I, T1061I, T1038I, T1054I, T1079I.
Identifiers: ClinVar variation 1475766 (VCV001475766.12), dbSNP rs1407500897, ClinGen allele CA16028433.
Genomic context (GRCh38, chr5:112,838,830, plus strand): 5'-AAATAAAACAAAGTGAGCAAAGACAATCAAGGAATCAAAGTACAACTTATCCTGTTTATA[C>T]TGAGAGCACTGATGATAAACACCTCAAGTTCCAACCACATTTTGGACAGCAGGAATGTGT-3'
Protein context (NP_000029.2, residues 1069-1089): RNQSTTYPVY[Thr1079Ile]ESTDDKHLKF

ClinVar aggregate classification (germline): Uncertain significance. Review status: criteria provided, multiple submitters, no conflicts (2 of 4 stars). 4 submissions from 4 submitters: Uncertain significance (4). Last evaluated 2025-08-08.

Conditions:
Hereditary cancer-predisposing syndrome. Also called: Neoplastic Syndromes, Hereditary; Hereditary Cancer Syndrome; Tumor predisposition; Hereditary neoplastic syndrome. Identifiers: Orphanet 140162, MedGen C0027672, MeSH D009386, MONDO:0015356.
Familial adenomatous polyposis 1 (FAP1). Also called: FAMILIAL ADENOMATOUS POLYPOSIS 1, ATTENUATED; POLYPOSIS, ADENOMATOUS INTESTINAL. Identifiers: MedGen C2713442, MONDO:0021056, OMIM 175100. Disease mechanism: loss of function.

Allele frequency attached by ClinVar (database versions not stated): gnomAD exomes below 0.00001; TOPMed below 0.00001; gnomAD 0.00001.

Submissions (4):

Ambry Genetics
Classification: Uncertain significance for Hereditary cancer-predisposing syndrome. Last evaluated: 2025-08-08. Review status: criteria provided, single submitter. Criteria: Ambry Variant Classification Scheme 2023. Collection method: clinical testing. Allele origin: germline.
Comment: The p.T1079I variant (also known as c.3236C>T), located in coding exon 15 of the APC gene, results from a C to T substitution at nucleotide position 3236. The threonine at codon 1079 is replaced by isoleucine, an amino acid with similar properties. This amino acid position is poorly conserved in available vertebrate species. In addition, in silico predictors for this gene do not accurately predict pathogenicity. Since supporting evidence is limited at this time, the clinical significance of this alteration remains unclear.

Labcorp Genetics (formerly Invitae), Labcorp
Classification: Uncertain significance for Familial adenomatous polyposis 1. Last evaluated: 2025-04-17. Review status: criteria provided, single submitter. Criteria: Invitae Variant Classification Sherloc (09022015). Collection method: clinical testing. Allele origin: germline.
Comment: This sequence change replaces threonine, which is neutral and polar, with isoleucine, which is neutral and non-polar, at codon 1079 of the APC protein (p.Thr1079Ile). This variant is not present in population databases (gnomAD no frequency). This variant has not been reported in the literature in individuals affected with APC-related conditions. ClinVar contains an entry for this variant (Variation ID: 1475766). Invitae Evidence Modeling of protein sequence and biophysical properties (such as structural, functional, and spatial information, amino acid conservation, physicochemical variation, residue mobility, and thermodynamic stability) indicates that this missense variant is not expected to disrupt APC protein function with a negative predictive value of 95%. In summary, the available evidence is currently insufficient to determine the role of this variant in disease. Therefore, it has been classified as a Variant of Uncertain Significance.

GeneDx
Classification: Uncertain significance. Last evaluated: 2024-12-23. Review status: criteria provided, single submitter. Criteria: GeneDx Variant Classification Process June 2021. Collection method: clinical testing. Allele origin: germline. Affected: yes.
Comment: Not observed at significant frequency in large population cohorts (gnomAD); In silico analysis indicates that this missense variant does not alter protein structure/function; Observed in an individual with a personal and family history of breast, ovarian, and/or thyroid cancer (PMID: 35534704); This variant is associated with the following publications: (PMID: 18199528, 35534704)

Baylor Genetics
Classification: Uncertain significance for Familial adenomatous polyposis 1. Last evaluated: 2023-10-27. Review status: criteria provided, single submitter. Criteria: ACMG Guidelines, 2015. Collection method: clinical testing. Allele origin: unknown.